The following is an entry in ClinVar:

ClinVar aggregate classification (germline): Uncertain significance (1 of 4 stars; one submission).

Submission:

GeneDx
Classification: Uncertain significance. Last evaluated: 2025-06-30. Review status: criteria provided, single submitter. Criteria: GeneDx Variant Classification Process June 2021. Collection method: clinical testing. Allele origin: germline. Affected: yes.
Comment: Not observed at significant frequency in large population cohorts (gnomAD); Missense variant in a gene in which most reported pathogenic variants are truncating/loss of function; Has not been previously published as pathogenic or benign to our knowledge

NM_001267550.2(TTN):c.65787G>T (p.Lys21929Asn)

Genes: TTN (titin; minus strand), TTN-AS1 (TTN antisense RNA 1; plus strand). Cytogenetic location: 2q31.2.
Variant type: single nucleotide variant.
Coding change: c.65787G>T on transcript NM_001267550.2 (MANE Select); coding-DNA position 65787, G replaced by T.
Protein change: p.Lys21929Asn; replaces lysine 21929 with asparagine.
Molecular consequence: missense variant. On other transcripts: non-coding transcript variant (1).
Genome position (GRCh38, 1-based): chr2:178,583,016, C>A on the plus strand (G>T on the coding strand, the complement: TTN is on the minus strand). VCF-style: chr2-178583016-C-A. GRCh37 (hg19) VCF-style: chr2-179447743-C-A.
Other names: c.38967G>T, p.Lys12989Asn (NM_133432.3); c.39168G>T, p.Lys13056Asn (NM_133437.4); c.60864G>T, p.Lys20288Asn (NM_001256850.1); c.38592G>T, p.Lys12864Asn (NM_003319.4); c.58083G>T, p.Lys19361Asn (NM_133378.4); short protein forms K12864N, K12989N, K13056N, K19361N, K20288N, K21929N.
Identifiers: ClinVar variation 4680915 (VCV004680915.1).